The following is an entry in ClinVar:

NM_022041.4(GAN):c.1550C>A (p.Ser517Tyr)

Gene: GAN (gigaxonin; plus strand). Cytogenetic location: 16q23.2.
Variant type: single nucleotide variant.
Coding change: c.1550C>A on transcript NM_022041.4 (MANE Select); coding-DNA position 1550, C replaced by A.
Protein change: p.Ser517Tyr; replaces serine 517 with tyrosine.
Molecular consequence: missense variant.
Genome position (GRCh38, 1-based): chr16:81,377,266, C>A. VCF-style: chr16-81377266-C-A. GRCh37 (hg19) VCF-style: chr16-81410871-C-A.
Other names: c.911C>A, p.Ser304Tyr (NM_001377486.1); short protein forms S304Y, S517Y.
Identifiers: ClinVar variation 3702476 (VCV003702476.2).

ClinVar aggregate classification (germline): Uncertain significance (1 of 4 stars; one submission).

Conditions:
Giant axonal neuropathy 1 (GAN1). Also called: GIANT AXONAL NEUROPATHY 1, AUTOSOMAL RECESSIVE; GAN-Related Neurodegeneration. Identifiers: Orphanet 643, MedGen C1850386, MONDO:0009749, OMIM 256850.

gnomAD v4.1: 1 of 1,612,618 alleles (0.000062%); highest among the groups gnomAD compares: Non-Finnish European, 0.000085%; no homozygotes.

Submission:

Labcorp Genetics (formerly Invitae), Labcorp
Classification: Uncertain significance for Giant axonal neuropathy 1. Last evaluated: 2024-03-13. Review status: criteria provided, single submitter. Criteria: Invitae Variant Classification Sherloc (09022015). Collection method: clinical testing. Allele origin: germline.
Comment: This sequence change replaces serine, which is neutral and polar, with tyrosine, which is neutral and polar, at codon 517 of the GAN protein (p.Ser517Tyr). This variant is not present in population databases (gnomAD no frequency). This variant has not been reported in the literature in individuals affected with GAN-related conditions. An algorithm developed to predict the effect of missense changes on protein structure and function (PolyPhen-2) suggests that this variant is likely to be disruptive. In summary, the available evidence is currently insufficient to determine the role of this variant in disease. Therefore, it has been classified as a Variant of Uncertain Significance.